The following is an entry in ClinVar:

ClinVar aggregate classification (germline): Uncertain significance (3 of 4 stars; one submission).

Conditions:
Monogenic diabetes. Identifiers: Orphanet 183625, MedGen C3888631, MONDO:0015967.

Submission:

ClinGen Monogenic Diabetes Variant Curation Expert Panel
Classification: Uncertain significance for Monogenic diabetes. Last evaluated: 2025-09-02. Review status: reviewed by expert panel. Criteria: ClinGen Diabetes ACMG Specifications HNF4A V3.0.0. Collection method: curation. Allele origin: germline. Inheritance: Autosomal dominant inheritance.
Comment: The c.-135A>G variant in the hepatocyte nuclear factor 4-alpha gene, HNF4A, is a single nucleotide variant within the promoter of NM_175914.5. This variant has a gnomAD v4.1.0 Grpmax filtering allele frequency of 7.7e-7, which is below the ClinGen MDEP threshold of 0.000003 (PM2_Supporting). This variant is located within the HNF6/OC2 binding site of the promoter (c.-132 to c.-141) of HNF4A, which is defined as critical for the protein’s function by the ClinGen MDEP (PM1_Supporting). This variant was identified in two unrelated individuals with non-autoimmune and non-absolute/near-absolute insulin-deficient diabetes; however, PS4_Moderate cannot be applied because this number is below the ClinGen MDEP threshold (internal lab contributors). One of these individuals did have a clinical history highly specific for HNF4A-monogenic diabetes (MODY probability calculator result >50% and negative genetic testing for HNF1A) (PP4; internal lab contributors). In summary, c.-135A>G meets the criteria to be classified as a variant of uncertain significance for monogenic diabetes. ACMG/AMP criteria applied, as specified by the ClinGen MDEP VCEP (specification version 3.0.0; approved 6/30/2025): PP4, PM1_Supporting, PM2_Supporting.

NC_000020.11:g.44355670A>G

Gene: HNF4A (hepatocyte nuclear factor 4 alpha; plus strand). Cytogenetic location: 20q13.12.
Variant type: single nucleotide variant.
Genome position: GRCh38 VCF-style: chr20-44355670-A-G. GRCh37 (hg19) VCF-style: chr20-42984310-A-G.
Identifiers: ClinVar variation 4077382 (VCV004077382.1).